The following is an entry in ClinVar:

NM_005257.6(GATA6):c.1620+2T>C

Gene: GATA6 (GATA binding protein 6; plus strand). Cytogenetic location: 18q11.2.
Variant type: single nucleotide variant.
Coding change: c.1620+2T>C on transcript NM_005257.6 (MANE Select); the canonical splice donor site of the intron after coding-DNA position 1620, T replaced by C.
Molecular consequence: splice donor variant.
Genome position (GRCh38, 1-based): chr18:22,183,045, T>C. VCF-style: chr18-22183045-T-C. GRCh37 (hg19) VCF-style: chr18-19763006-T-C.
Identifiers: ClinVar variation 4880213 (VCV004880213.1).

ClinVar aggregate classification (germline): Likely pathogenic (1 of 4 stars; one submission).

Conditions:
Inborn genetic diseases. Identifiers: MedGen C0950123, MeSH D030342.

Submission:

Wales Gene Park, Division Of Cancer and Genetics, Cardiff University
Classification: Likely pathogenic for Inborn genetic diseases. Last evaluated: 2026-04-28. Review status: criteria provided, single submitter. Criteria: ACGS Best Practice Guidelines for Variant Classification in Rare Disease 2024. Collection method: research. Allele origin: de novo. Inheritance: Autosomal dominant inheritance. Affected: yes. Study: 100,000 Genomes Project (Wales).
Comment: De novo GATA6 splice variant detected by trio genome sequencing. Not present in gnomAD (v4.1.1). Evidence codes: PVS1_moderate, PM2, PS2.